The following is an entry in ClinVar:

NM_004836.7(EIF2AK3):c.230C>T (p.Ala77Val)

Gene: EIF2AK3 (eukaryotic translation initiation factor 2 alpha kinase 3; minus strand). Cytogenetic location: 2p11.2.
Variant type: single nucleotide variant.
Coding change: c.230C>T on transcript NM_004836.7 (MANE Select); coding-DNA position 230, C replaced by T.
Protein change: p.Ala77Val; replaces alanine 77 with valine.
Molecular consequence: missense variant.
Genome position (GRCh38, 1-based): chr2:88,627,045, G>A on the plus strand (C>T on the coding strand, the complement: EIF2AK3 is on the minus strand). VCF-style: chr2-88627045-G-A. GRCh37 (hg19) VCF-style: chr2-88926563-G-A.
Other names: short protein forms A77V.
Identifiers: ClinVar variation 3683990 (VCV003683990.2).

ClinVar aggregate classification (germline): Uncertain significance (1 of 4 stars; one submission).

gnomAD v4.1: 2 of 1,599,216 alleles (0.00013%); highest among the groups gnomAD compares: Non-Finnish European, 0.00017%; no homozygotes.

Submission:

Labcorp Genetics (formerly Invitae), Labcorp
Classification: Uncertain significance. Last evaluated: 2025-01-23. Review status: criteria provided, single submitter. Criteria: Invitae Variant Classification Sherloc (09022015). Collection method: clinical testing. Allele origin: germline.
Comment: This sequence change replaces alanine, which is neutral and non-polar, with valine, which is neutral and non-polar, at codon 77 of the EIF2AK3 protein (p.Ala77Val). The frequency data for this variant in the population databases is considered unreliable, as metrics indicate poor data quality at this position in the gnomAD database. This variant has not been reported in the literature in individuals affected with EIF2AK3-related conditions. An algorithm developed to predict the effect of missense changes on protein structure and function outputs the following: PolyPhen-2: "Not Available". The valine amino acid residue is found in multiple mammalian species, which suggests that this missense change does not adversely affect protein function. In summary, the available evidence is currently insufficient to determine the role of this variant in disease. Therefore, it has been classified as a Variant of Uncertain Significance.